The following is an entry in ClinVar:

ClinVar aggregate classification (germline): Uncertain significance. Review status: criteria provided, multiple submitters, no conflicts (2 of 4 stars). 2 submissions from 2 submitters: Uncertain significance (2). Last evaluated 2022-09-23.

Conditions:
Hereditary nonpolyposis colorectal neoplasms. Identifiers: MedGen C0009405, MeSH D003123.
Hereditary cancer-predisposing syndrome. Also called: Neoplastic Syndromes, Hereditary; Tumor predisposition; Hereditary Cancer Syndrome; Hereditary neoplastic syndrome. Identifiers: Orphanet 140162, MedGen C0027672, MeSH D009386, MONDO:0015356.

Submissions (2):

Labcorp Genetics (formerly Invitae), Labcorp
Classification: Uncertain significance for Hereditary nonpolyposis colorectal neoplasms. Last evaluated: 2022-09-23. Review status: criteria provided, single submitter. Criteria: Invitae Variant Classification Sherloc (09022015). Collection method: clinical testing. Allele origin: germline.
Comment: This variant has not been reported in the literature in individuals affected with MSH6-related conditions. This sequence change replaces lysine, which is basic and polar, with arginine, which is basic and polar, at codon 606 of the MSH6 protein (p.Lys606Arg). This variant is not present in population databases (gnomAD no frequency). ClinVar contains an entry for this variant (Variation ID: 820131). Advanced modeling of protein sequence and biophysical properties (such as structural, functional, and spatial information, amino acid conservation, physicochemical variation, residue mobility, and thermodynamic stability) performed at Invitae indicates that this missense variant is not expected to disrupt MSH6 protein function. In summary, the available evidence is currently insufficient to determine the role of this variant in disease. Therefore, it has been classified as a Variant of Uncertain Significance.

Ambry Genetics
Classification: Uncertain significance for Hereditary cancer-predisposing syndrome. Last evaluated: 2019-09-30. Review status: criteria provided, single submitter. Criteria: Ambry Variant Classification Scheme 2023. Collection method: clinical testing. Allele origin: germline.
Comment: The p.K606R variant (also known as c.1817A>G), located in coding exon 4 of the MSH6 gene, results from an A to G substitution at nucleotide position 1817. The lysine at codon 606 is replaced by arginine, an amino acid with highly similar properties. This amino acid position is not well conserved in available vertebrate species. In addition, this alteration is predicted to be tolerated by in silico analysis. Since supporting evidence is limited at this time, the clinical significance of this alteration remains unclear.

NM_000179.3(MSH6):c.1817A>G (p.Lys606Arg)

Gene: MSH6 (mutS homolog 6; plus strand). Cytogenetic location: 2p16.3.
Variant type: single nucleotide variant.
Coding change: c.1817A>G on transcript NM_000179.3 (MANE Select); coding-DNA position 1817, A replaced by G.
Protein change: p.Lys606Arg; replaces lysine 606 with arginine.
Molecular consequence: missense variant.
Genome position (GRCh38, 1-based): chr2:47,799,800, A>G. VCF-style: chr2-47799800-A-G. GRCh37 (hg19) VCF-style: chr2-48026939-A-G.
Other names: c.1427A>G, p.Lys476Arg (NM_001281492.2); c.911A>G, p.Lys304Arg (NM_001281493.2, NM_001281494.2); short protein forms K304R, K476R, K606R.
Identifiers: ClinVar variation 820131 (VCV000820131.10), dbSNP rs1572724507, ClinGen allele CA346749430.